The following is an entry in ClinVar:

ClinVar aggregate classification (germline): Benign. Review status: reviewed by expert panel (3 of 4 stars). 5 submissions from 5 submitters: Benign (1). 4 of the submissions do not count toward it. Last evaluated 2023-04-14.

Conditions:
CDKL5 disorder. Identifiers: MedGen CN296942, MONDO:0100039.
Angelman syndrome-like. Identifiers: MedGen CN128785.
Developmental and epileptic encephalopathy, 2 (DEE2). Also called: CDKL5 deficiency disorder; INFANTILE SPASM SYNDROME, X-LINKED 2. Identifiers: Orphanet 1934, Orphanet 3451, Orphanet 505652, MedGen C4750718, MONDO:0010396, OMIM 300672.

Allele frequency attached by ClinVar (database versions not stated): gnomAD exomes 0.00001 and 0.00007; ExAC 0.00002; gnomAD 0.00008 and 0.00011; TOPMed 0.00022.
gnomAD v4.1: 30 of 1,202,435 alleles (0.0025%); highest among the groups gnomAD compares: Admixed American, 0.031%; no homozygotes.

Submissions (5):

ClinGen Rett and Angelman-like Disorders Variant Curation Expert Panel
Classification: Benign for CDKL5 disorder. Last evaluated: 2023-04-14. Review status: reviewed by expert panel. Criteria: ClinGen RettAS ACMG Specifications V2. Collection method: curation. Allele origin: germline. Inheritance: X-linked inheritance.
Comment: The allele frequency of the c.283-13 A>G variant in CDKL5 is 0.036% in Latino sub population in gnomAD, which is high enough to be classified as benign based on thresholds defined by the ClinGen Rett/Angelman-like Expert Panel for Rett/AS-like conditions (BA1). In summary, the c.283-13 A>G variant in CDKL5 is classified as benign based on the ACMG/AMP criteria (BA1).

Labcorp Genetics (formerly Invitae), Labcorp
Classification: Benign for Developmental and epileptic encephalopathy, 2; Angelman syndrome-like. Last evaluated: 2026-01-17. Review status: criteria provided, single submitter. Criteria: Invitae Variant Classification Sherloc (09022015). Collection method: clinical testing. Allele origin: germline. Not counted in ClinVar's aggregate classification.

Blueprint Genetics
Classification: Likely benign. Last evaluated: 2024-05-31. Review status: criteria provided, single submitter. Criteria: ACMG Guidelines, 2015. Collection method: clinical testing. Allele origin: germline. Not counted in ClinVar's aggregate classification.

GeneDx
Classification: Likely benign. Last evaluated: 2021-05-05. Review status: criteria provided, single submitter. Criteria: GeneDx Variant Classification Process June 2021. Collection method: clinical testing. Allele origin: germline. Affected: yes. Not counted in ClinVar's aggregate classification.

Genetic Services Laboratory, University of Chicago
Classification: Uncertain significance for Epileptic encephalopathy, early infantile, 2. Last evaluated: 2013-06-10. Review status: criteria provided, single submitter. Criteria: ACMG Guidelines, 2007. Collection method: clinical testing. Allele origin: germline. Inheritance: X-linked inheritance. Not counted in ClinVar's aggregate classification.

NM_001323289.2(CDKL5):c.283-13A>G

Gene: CDKL5 (cyclin dependent kinase like 5; plus strand). Cytogenetic location: Xp22.13.
Variant type: single nucleotide variant.
Coding change: c.283-13A>G on transcript NM_001323289.2 (MANE Select); 13 bases into the intron before coding-DNA position 283, A replaced by G.
Molecular consequence: intron variant.
Genome position (GRCh38, 1-based): chrX:18,579,835, A>G. VCF-style: chrX-18579835-A-G. GRCh37 (hg19) VCF-style: chrX-18597955-A-G.
Other names: c.283-13A>G (NM_003159.3, NM_001037343.2).
Identifiers: ClinVar variation 158184 (VCV000158184.17), dbSNP rs587783404, ClinGen allele CA171639.